The following is an entry in ClinVar:

ClinVar aggregate classification (germline): Uncertain significance (1 of 4 stars; one submission).

gnomAD v4.1: 7 of 1,613,676 alleles (0.00043%); highest among the groups gnomAD compares: Non-Finnish European, 0.00059%; no homozygotes.

Submission:

Labcorp Genetics (formerly Invitae), Labcorp
Classification: Uncertain significance. Last evaluated: 2021-11-23. Review status: criteria provided, single submitter. Criteria: Invitae Variant Classification Sherloc (09022015). Collection method: clinical testing. Allele origin: germline.
Comment: This variant is not present in population databases (gnomAD no frequency). This sequence change replaces glycine, which is neutral and non-polar, with serine, which is neutral and polar, at codon 90 of the PAM16 protein (p.Gly90Ser). This variant has not been reported in the literature in individuals affected with PAM16-related conditions. In summary, the available evidence is currently insufficient to determine the role of this variant in disease. Therefore, it has been classified as a Variant of Uncertain Significance. Algorithms developed to predict the effect of sequence changes on RNA splicing suggest that this variant may create or strengthen a splice site. Algorithms developed to predict the effect of missense changes on protein structure and function (SIFT, PolyPhen-2, Align-GVGD) all suggest that this variant is likely to be disruptive.

NM_016069.11(PAM16):c.268G>A (p.Gly90Ser)

Genes: CORO7-PAM16 (CORO7-PAM16 readthrough; minus strand), PAM16 (presequence translocase associated motor 16; minus strand). Cytogenetic location: 16p13.3.
Variant type: single nucleotide variant.
Coding change: c.268G>A on transcript NM_016069.11 (MANE Select); coding-DNA position 268, G replaced by A.
Protein change: p.Gly90Ser; replaces glycine 90 with serine.
Molecular consequence: missense variant.
Genome position (GRCh38, 1-based): chr16:4,340,943, C>T on the plus strand (G>A on the coding strand, the complement: PAM16 is on the minus strand). VCF-style: chr16-4340943-C-T. GRCh37 (hg19) VCF-style: chr16-4390944-C-T.
Other names: c.3037G>A, p.Gly1013Ser (NM_001201479.2); short protein forms G1013S, G90S.
Identifiers: ClinVar variation 1513278 (VCV001513278.6), dbSNP rs2053634799, ClinGen allele CA394602676.